The following is an entry in ClinVar:

NM_001386298.1(CIC):c.5757G>A (p.Ala1919=)

Gene: CIC (capicua transcriptional repressor; plus strand). Cytogenetic location: 19q13.2.
Variant type: single nucleotide variant.
Coding change: c.5757G>A on transcript NM_001386298.1 (MANE Select); coding-DNA position 5757, G replaced by A.
Protein change: p.Ala1919=; no amino-acid change (alanine 1919 retained).
Molecular consequence: synonymous variant.
Genome position (GRCh38, 1-based): chr19:42,292,321, G>A. VCF-style: chr19-42292321-G-A. GRCh37 (hg19) VCF-style: chr19-42796473-G-A.
Other names: c.5757G>A, p.Ala1919= (NM_001304815.2, NM_001379480.1, NM_001379482.1 and 1 more transcripts); c.3030G>A, p.Ala1010= (NM_001379484.1, NM_001379485.1, NM_015125.5).
Identifiers: ClinVar variation 2650004 (VCV002650004.25), dbSNP rs148075505, ClinGen allele CA9472494.

ClinVar aggregate classification (germline): Likely benign. Review status: criteria provided, single submitter (1 of 4 stars). 2 submissions from 2 submitters: Likely benign (1). 1 of the submissions does not count toward it. Last evaluated 2026-06-01.

Conditions:
CIC-related disorder. Also called: CIC-related condition.

Allele frequency attached by ClinVar (database versions not stated): gnomAD exomes 0.00021; ESP Exome Variant Server 0.00015; ExAC 0.00017; TOPMed 0.00017; gnomAD 0.00019.
gnomAD v4.1: 329 of 1,613,032 alleles (0.02%); highest among the groups gnomAD compares: Non-Finnish European, 0.025%; no homozygotes.

Submissions (2):

CeGaT Center for Human Genetics Tuebingen
Classification: Likely benign. Last evaluated: 2026-06-01. Review status: criteria provided, single submitter. Criteria: CeGaT Center For Human Genetics Tuebingen Variant Classification Criteria Version 2. Collection method: clinical testing. Allele origin: germline. Affected: yes. Observed: 4 variant alleles.
Comment: CIC: BP4, BP7

PreventionGenetics, part of Exact Sciences
Classification: Likely benign for CIC-related condition. Last evaluated: 2020-08-03. Review status: no assertion criteria provided. Collection method: clinical testing. Allele origin: germline. Not counted in ClinVar's aggregate classification.
Comment: This variant is classified as likely benign based on ACMG/AMP sequence variant interpretation guidelines (Richards et al. 2015 PMID: 25741868, with internal and published modifications).